The following is an entry in ClinVar:

ClinVar aggregate classification (germline): Likely benign. Review status: criteria provided, multiple submitters, no conflicts (2 of 4 stars). 4 submissions from 4 submitters: Likely benign (4). Last evaluated 2024-10-24.

Allele frequency attached by ClinVar (database versions not stated): ExAC 0.00001; gnomAD exomes 0.00002 and 0.00005; TOPMed 0.00003; gnomAD 0.00005.
gnomAD v4.1: 78 of 1,613,084 alleles (0.0048%); highest among the groups gnomAD compares: Non-Finnish European, 0.0059%; no homozygotes.

Submissions (4):

Labcorp Genetics (formerly Invitae), Labcorp
Classification: Likely benign. Last evaluated: 2024-10-24. Review status: criteria provided, single submitter. Criteria: Invitae Variant Classification Sherloc (09022015). Collection method: clinical testing. Allele origin: germline.

CeGaT Center for Human Genetics Tuebingen
Classification: Likely benign. Last evaluated: 2022-06-01. Review status: criteria provided, single submitter. Criteria: CeGaT Center For Human Genetics Tuebingen Variant Classification Criteria Version 2. Collection method: clinical testing. Allele origin: germline. Affected: yes. Observed: 1 variant allele.
Comment: ZMYND11: BP4, BP7

Genetic Services Laboratory, University of Chicago
Classification: Likely benign. Last evaluated: 2016-10-06. Review status: criteria provided, single submitter. Criteria: ACMG Guidelines, 2015. Collection method: clinical testing. Allele origin: germline. Affected: no.

Breakthrough Genomics
Classification: Likely benign. Review status: criteria provided, single submitter. Criteria: ACMG Guidelines, 2015. Collection method: not provided. Allele origin: germline. Inheritance: Autosomal dominant inheritance. Affected: yes.

NM_001370100.5(ZMYND11):c.1776G>A (p.Ala592=)

Gene: ZMYND11 (zinc finger MYND-type containing 11; plus strand). Cytogenetic location: 10p15.3.
Variant type: single nucleotide variant.
Coding change: c.1776G>A on transcript NM_001370100.5 (MANE Select); coding-DNA position 1776, G replaced by A.
Protein change: p.Ala592=; no amino-acid change (alanine 592 retained).
Molecular consequence: synonymous variant. On other transcripts: non-coding transcript variant (1).
Genome position (GRCh38, 1-based): chr10:252,437, G>A. VCF-style: chr10-252437-G-A. GRCh37 (hg19) VCF-style: chr10-298377-G-A.
Other names: c.1614G>A, p.Ala538= (NM_001202464.3, NM_001370103.2, NM_001370104.2 and 5 more transcripts); c.1521G>A, p.Ala507= (NM_001202465.3, NM_001370110.2); c.1611G>A, p.Ala537= (NM_001202466.3, NM_001370111.2); c.1725G>A, p.Ala575= (NM_001330057.3, NM_001370112.2); c.1776G>A, p.Ala592= (NM_001370097.3, NM_001370098.2, NM_001370099.2 and 3 more transcripts); c.1683G>A, p.Ala561= (NM_001370113.2, NM_001370114.2); c.1773G>A, p.Ala591= (NM_001370115.2); c.1710G>A, p.Ala570= (NM_001370116.2); and 8 more.
Identifiers: ClinVar variation 437338 (VCV000437338.40), dbSNP rs770351439, ClinGen allele CA5379328.